The following is an entry in ClinVar:

NM_001257096.2(PAX1):c.695G>A (p.Gly232Glu)

Gene: PAX1 (paired box 1; plus strand). Cytogenetic location: 20p11.22.
Variant type: single nucleotide variant.
Coding change: c.695G>A on transcript NM_001257096.2 (MANE Select); coding-DNA position 695, G replaced by A.
Protein change: p.Gly232Glu; replaces glycine 232 with glutamic acid.
Molecular consequence: missense variant.
Genome position (GRCh38, 1-based): chr20:21,706,846, G>A. VCF-style: chr20-21706846-G-A. GRCh37 (hg19) VCF-style: chr20-21687484-G-A.
Other names: c.695G>A, p.Gly232Glu (NM_006192.5); short protein forms G232E.
Identifiers: ClinVar variation 2407855 (VCV002407855.4), dbSNP rs758714017, ClinGen allele CA9786543.
Genomic context (GRCh38, chr20:21,706,846, plus strand): 5'-CTTCGGTGAGCTCCATCAGCCGCATCCTGCGCAACAAGATCGGCAGCCTGGCGCAGCCCG[G>A]ACCGTACGAGGCAAGTAAGCAGCCGCCGTCGCAGCCTACGCTGCCCTACAACCACATCTA-3'
Protein context (NP_001244025.1, residues 222-242): RNKIGSLAQP[Gly232Glu]PYEASKQPPS

ClinVar aggregate classification (germline): Uncertain significance. Review status: criteria provided, multiple submitters, no conflicts (2 of 4 stars). 2 submissions from 2 submitters: Uncertain significance (2). Last evaluated 2022-12-02.

Conditions:
Inborn genetic diseases. Identifiers: MedGen C0950123, MeSH D030342.

Allele frequency attached by ClinVar (database versions not stated): TOPMed below 0.00001; ExAC 0.00001; gnomAD 0.00001; gnomAD exomes 0.00001.

Submissions (2):

Labcorp Genetics (formerly Invitae), Labcorp
Classification: Uncertain significance. Last evaluated: 2022-12-02. Review status: criteria provided, single submitter. Criteria: Invitae Variant Classification Sherloc (09022015). Collection method: clinical testing. Allele origin: germline.
Comment: In summary, the available evidence is currently insufficient to determine the role of this variant in disease. Therefore, it has been classified as a Variant of Uncertain Significance. Advanced modeling of protein sequence and biophysical properties (such as structural, functional, and spatial information, amino acid conservation, physicochemical variation, residue mobility, and thermodynamic stability) performed at Invitae indicates that this missense variant is not expected to disrupt PAX1 protein function. This variant has not been reported in the literature in individuals affected with PAX1-related conditions. This variant is present in population databases (rs758714017, gnomAD 0.0009%). This sequence change replaces glycine, which is neutral and non-polar, with glutamic acid, which is acidic and polar, at codon 232 of the PAX1 protein (p.Gly232Glu).

Ambry Genetics
Classification: Uncertain significance for Inborn genetic diseases. Last evaluated: 2022-06-30. Review status: criteria provided, single submitter. Criteria: Ambry Variant Classification Scheme 2023. Collection method: clinical testing. Allele origin: germline.